The following is an entry in ClinVar:

ClinVar aggregate classification (germline): Pathogenic/Likely pathogenic. Review status: criteria provided, multiple submitters, no conflicts (2 of 4 stars). 7 submissions from 7 submitters: Pathogenic (1); Likely pathogenic (4). 2 of the submissions do not count toward it. Last evaluated 2026-08-06.

Conditions:
Primary ciliary dyskinesia. Also called: Ciliary dyskinesia. Identifiers: Orphanet 244, MedGen C0008780, MONDO:0016575, HP:0012265.
Primary ciliary dyskinesia 25 (CILD25). Also called: CILIARY DYSKINESIA, PRIMARY, 25, WITH OR WITHOUT SITUS INVERSUS. Identifiers: Orphanet 244, MedGen C3809641, MONDO:0014203, OMIM 615482.
Dyslexia, susceptibility to, 1. Also called: READING DISABILITY, SPECIFIC, 1; WORD-BLINDNESS, CONGENITAL. Identifiers: MedGen C1851967, MONDO:0007487, OMIM 127700.

Allele frequency attached by ClinVar (database versions not stated): ExAC 0.00002; gnomAD exomes 0.00004 and 0.00002; gnomAD 0.00003; TOPMed 0.00003.
gnomAD v4.1: 65 of 1,612,860 alleles (0.004%); highest among the groups gnomAD compares: Middle Eastern, 0.017%; no homozygotes.

Submissions (7):

OLLIN Analises Genomicas, OLLIN
Classification: Likely pathogenic for Dyslexia, susceptibility to, 1. Last evaluated: 2026-08-06. Review status: criteria provided, single submitter. Criteria: ACMG Guidelines 2015 PMID 25741868. Collection method: clinical testing. Allele origin: germline. Inheritance: Autosomal recessive inheritance.
Comment: This missense variant, located in exon 8 (of 10), has been reported in ClinVar (accession VCV000956594.14), in gnomAD with an allele frequency of 0.00403%, and in the scientific literature, in compound heterozygosity, in individuals with DNAAF4 related disorders (PMID: 35903363, 26139845). In silico analysis predicts that this variant has a deleterious effect. According to the currently available evidence, this variant has been classified as likely pathogenic (PM2_P, PM3_S, PP3).

Labcorp Genetics (formerly Invitae), Labcorp
Classification: Pathogenic. Last evaluated: 2025-12-19. Review status: criteria provided, single submitter. Criteria: Invitae Variant Classification Sherloc (09022015). Collection method: clinical testing. Allele origin: germline.
Comment: This sequence change replaces arginine, which is basic and polar, with tryptophan, which is neutral and slightly polar, at codon 330 of the DNAAF4 protein (p.Arg330Trp). This variant is present in population databases (rs201173498, gnomAD 0.006%). This missense change has been observed in individual(s) with primary ciliary dyskinesia (PMID: 26139845; internal data). In at least one individual the data is consistent with being in trans (on the opposite chromosome) from a pathogenic variant. ClinVar contains an entry for this variant (Variation ID: 956594). Invitae Evidence Modeling of protein sequence and biophysical properties (such as structural, functional, and spatial information, amino acid conservation, physicochemical variation, residue mobility, and thermodynamic stability) indicates that this missense variant is expected to disrupt DNAAF4 protein function with a positive predictive value of 80%. For these reasons, this variant has been classified as Pathogenic.

Dasa
Classification: Likely pathogenic. Last evaluated: 2025-08-22. Review status: criteria provided, single submitter. Criteria: DASA Assertion Criteria. Collection method: clinical testing. Allele origin: germline.
Comment: NM_130810.4(DNAAF4):c.988C>T (p.Arg330Trp) is a missense variant that results in the substitution of arginine with tryptophan. This variant has been recurrently observed in individuals with DNAAF4-related disorders (PMID: 35903363; PMID: 26139845). Functional evidence supports an impact on the gene or gene product. Also, this variant is rare in population databases. Computational evidence supports a deleterious effect. Based on the currently available evidence, this variant is classified as likely pathogenic.

Victorian Clinical Genetics Services, Murdoch Childrens Research Institute
Classification: Likely pathogenic for Primary ciliary dyskinesia 25. Last evaluated: 2024-10-11. Review status: criteria provided, single submitter. Criteria: ACMG Guidelines, 2015. Collection method: clinical testing. Allele origin: germline. Inheritance: Autosomal recessive inheritance. Affected: yes.
Comment: Based on the classification scheme VCGS_Germline_v1.3.5, this variant is classified as Likely pathogenic. Following criteria are met: 0102 - Loss of function is a known mechanism of disease in this gene and is associated with ciliary dyskinesia, primary, 25 (MIM#615482). (I) 0106 - This gene is associated with autosomal recessive disease. (I) 0200 - Variant is predicted to result in a missense amino acid change from arginine to tryptophan. (I) 0251 - This variant is heterozygous. (I) 0304 - Variant is present in gnomAD (v4) <0.01 for a recessive condition (65 heterozygotes, 0 homozygotes). (SP) 0309 - An alternative amino acid change at the same position has been observed in gnomAD (v4; 15 heterozygotes, 0 homozygotes). (I) 0501 - Missense variant consistently predicted to be damaging by multiple in silico tools or highly conserved with a major amino acid change. (SP) 0604 - Variant is not located in an established domain, motif, hotspot or informative constraint region. (I) 0710 - Another missense variant comparable to the one identified in this case has inconclusive previous evidence for pathogenicity. p.(Arg330Gln) has been reported once as a VUS (ClinVar). (I) 0802 - This variant has moderate previous evidence of pathogenicity in unrelated individuals. This variant has been reported as pathogenic and likely pathogenic (ClinVar) and and has been observed as homozygous or compound heterozygous with a deletion in individuals with primary ciliary dyskinesia (PMIDs: 35903363, 26139845). It has also been reported as a VUS in ClinVar. (SP) 0905 - No published segregation evidence has been identified for this variant. (I) 1007 - No published functional evidence has been identified for this variant. (I) 1208 - Inheritance information for this variant is not currently available in this individual. (I) Legend: (SP) - Supporting pathogenic, (I) - Information, (SB) - Supporting benign

Laboratorio de Genetica e Diagnostico Molecular, Hospital Israelita Albert Einstein
Classification: Likely pathogenic for Primary ciliary dyskinesia 25. Last evaluated: 2022-09-15. Review status: criteria provided, single submitter. Criteria: ACMG Guidelines, 2015. Collection method: clinical testing. Allele origin: germline. Affected: yes. Observed: 1 variant allele.
Comment: ACMG classification criteria: PS4 supporting, PM2 moderated, PM3 moderated, PP3 supporting

Yale Center for Mendelian Genomics, Yale University
Classification: Likely pathogenic for Primary ciliary dyskinesia. Last evaluated: 2018-08-01. Review status: no assertion criteria provided. Collection method: literature only. Allele origin: germline. Affected: yes. Observed: 1 compound heterozygote. Study: Yale Center for Mendelian Genomics. Not counted in ClinVar's aggregate classification.

UNC Molecular Genetics  Laboratory, University of North Carolina at Chapel Hill
Classification: Uncertain significance for Primary ciliary dyskinesia. Last evaluated: 2019-02-14. Review status: flagged submission. Criteria: ACMG Guidelines, 2015. Collection method: clinical testing. Allele origin: germline. Affected: yes. Observed: 1 compound heterozygote. Not counted in ClinVar's aggregate classification.
ClinVar note: Reason: Outlier claim with insufficient supporting evidence

Literature cited by the submitters: PubMed 35903363 (cited by 3 submitters); PubMed 26139845 (cited by 5 submitters); PubMed 30067075 (cited by Yale Center for Mendelian Genomics, Yale University).

NM_130810.4(DNAAF4):c.988C>T (p.Arg330Trp)

Genes: DNAAF4 (dynein axonemal assembly factor 4; minus strand), DNAAF4-CCPG1 (DNAAF4-CCPG1 readthrough (NMD candidate); minus strand). Cytogenetic location: 15q21.3.
Variant type: single nucleotide variant.
Coding change: c.988C>T on transcript NM_130810.4 (MANE Select); coding-DNA position 988, C replaced by T.
Protein change: p.Arg330Trp; replaces arginine 330 with tryptophan.
Molecular consequence: missense variant. On other transcripts: non-coding transcript variant (1).
Genome position (GRCh38, 1-based): chr15:55,434,964, G>A on the plus strand (C>T on the coding strand, the complement: DNAAF4 is on the minus strand). VCF-style: chr15-55434964-G-A. GRCh37 (hg19) VCF-style: chr15-55727162-G-A.
Other names: c.988C>T, p.Arg330Trp (NM_001033559.3, NM_001033560.2); short protein forms R330W.
Identifiers: ClinVar variation 956594 (VCV000956594.16), dbSNP rs201173498, ClinGen allele CA7574865.
Genomic context (GRCh38, chr15:55,434,964, plus strand): 5'-CCTTAGAAGAATCTTCAATAGCCTTGTGTAAGTTTTTTAGTTTTAGGTGGCAAGCAGCCC[G>A]GTTCAAATACAATAGTGGCATCTTATTATTTAGTCTTATGGCTAAATTATATGCATTGAT-3'
Protein context (NP_570722.2, residues 320-340): NNKMPLLYLN[Arg330Trp]AACHLKLKNL